The following is an entry in ClinVar:

ClinVar aggregate classification (germline): Pathogenic (0 of 4 stars; one submission).

Conditions:
Glucocorticoid deficiency with achalasia (AAAS). Also called: Addisonian achalasia syndrome; Achalasia-addisonianism-alacrimia syndrome; Achalasia-Addisonianism-Alacrima (Triple-A) Syndrome; ALACRIMA-ACHALASIA-ADRENAL INSUFFICIENCY NEUROLOGIC DISORDER; AAA syndrome; Allgrove syndrome. Identifiers: Orphanet 869, MedGen C0271742, MONDO:0009279, OMIM 231550.

Submission:

Department of Pediatric Endocrinology and Inherited Metabolic Diseases, Children's Hospital of Fudan University
Classification: Pathogenic for Glucocorticoid deficiency with achalasia. Last evaluated: 2021-05-18. Review status: no assertion criteria provided. Collection method: clinical testing. Allele origin: germline. Inheritance: Autosomal recessive inheritance. Affected: yes. Observed: 1 variant allele, 1 homozygote.
Comment: Triple A syndrome with alacrima, epilepsy

NM_015665.6(AAAS):c.250del (p.Trp84fs)

Gene: AAAS (aladin WD repeat nucleoporin; minus strand). Cytogenetic location: 12q13.13.
Variant type: Deletion.
Coding change: c.250del on transcript NM_015665.6 (MANE Select); coding-DNA position 250, one base deleted (T; older notation c.250delT).
Protein change: p.Trp84fs; shifts the reading frame from tryptophan 84.
Molecular consequence: frameshift variant.
Genome position (GRCh38, 1-based): chr12:53,320,566, A deleted on the plus strand (T on the coding strand, the reverse complement: AAAS is on the minus strand); the first of 3 consecutive A bases (chr12:53,320,566-53,320,568); deleting any one gives the same sequence. VCF-style (leftmost placement, unchanged base first): chr12-53320565-CA-C. GRCh37 (hg19) VCF-style: chr12-53714349-CA-C.
Other names: c.250delT (NM_015665.6); c.250del, p.Trp84fs (NM_001173466.2); short protein forms W84fs.
Identifiers: ClinVar variation 1119992 (VCV001119992.2), dbSNP rs2136820957, ClinGen allele CA2499221754.
Genomic context (GRCh38, chr12:53,320,565, plus strand): 5'-GTTGACTCATTTTCCAGGATCTGCAGACTGTGACCCAGGAAACCCTTTGCCATGCCTCAC[CA>C]AATGTTGATGCATCTCTTCCACACTTGCTCCCGGTGATGGATGAAGGCAGTTCTTGTGCC-3'